The following is an entry in ClinVar:

NM_030632.3(ASXL3):c.5141G>T (p.Ser1714Ile)

Gene: ASXL3 (ASXL transcriptional regulator 3; plus strand). Cytogenetic location: 18q12.1.
Variant type: single nucleotide variant.
Coding change: c.5141G>T on transcript NM_030632.3 (MANE Select); coding-DNA position 5141, G replaced by T.
Protein change: p.Ser1714Ile; replaces serine 1714 with isoleucine.
Molecular consequence: missense variant.
Genome position (GRCh38, 1-based): chr18:33,744,989, G>T. VCF-style: chr18-33744989-G-T. GRCh37 (hg19) VCF-style: chr18-31324953-G-T.
Other names: short protein forms S1714I.
Identifiers: ClinVar variation 3340861 (VCV003340861.1).

ClinVar aggregate classification (germline): Uncertain significance (1 of 4 stars; one submission).

Submission:

GeneDx
Classification: Uncertain significance. Last evaluated: 2023-12-13. Review status: criteria provided, single submitter. Criteria: GeneDx Variant Classification Process June 2021. Collection method: clinical testing. Allele origin: germline. Affected: yes.
Comment: Not observed at significant frequency in large population cohorts (gnomAD); In silico analysis supports that this missense variant does not alter protein structure/function; Has not been previously published as pathogenic or benign to our knowledge